The following is an entry in ClinVar:

NM_015001.3(SPEN):c.6750C>G (p.Pro2250=)

Gene: SPEN (spen family transcriptional repressor; plus strand). Cytogenetic location: 1p36.13.
Variant type: single nucleotide variant.
Coding change: c.6750C>G on transcript NM_015001.3 (MANE Select); coding-DNA position 6750, C replaced by G.
Protein change: p.Pro2250=; no amino-acid change (proline 2250 retained).
Molecular consequence: synonymous variant.
Genome position (GRCh38, 1-based): chr1:15,932,990, C>G. VCF-style: chr1-15932990-C-G. GRCh37 (hg19) VCF-style: chr1-16259485-C-G.
Identifiers: ClinVar variation 4823416 (VCV004823416.4).

ClinVar aggregate classification (germline): Likely benign (1 of 4 stars; one submission).

gnomAD v4.1: 7 of 1,614,048 alleles (0.00043%); highest among the groups gnomAD compares: African/African-American, 0.0053%; no homozygotes.

Submission:

CeGaT Center for Human Genetics Tuebingen
Classification: Likely benign. Last evaluated: 2026-02-01. Review status: criteria provided, single submitter. Criteria: CeGaT Center For Human Genetics Tuebingen Variant Classification Criteria Version 2. Collection method: clinical testing. Allele origin: germline. Affected: yes. Observed: 1 variant allele.
Comment: SPEN: BP4, BP7